The following is an entry in ClinVar:

NM_201253.3(CRB1):c.3538G>A (p.Glu1180Lys)

Gene: CRB1 (crumbs cell polarity complex component 1; plus strand). Cytogenetic location: 1q31.3.
Variant type: single nucleotide variant.
Coding change: c.3538G>A on transcript NM_201253.3 (MANE Select); coding-DNA position 3538, G replaced by A.
Protein change: p.Glu1180Lys; replaces glutamic acid 1180 with lysine.
Molecular consequence: missense variant. On other transcripts: non-coding transcript variant (2), intron variant (1).
Genome position (GRCh38, 1-based): chr1:197,435,401, G>A. VCF-style: chr1-197435401-G-A. GRCh37 (hg19) VCF-style: chr1-197404531-G-A.
Other names: c.3202G>A, p.Glu1068Lys (NM_001193640.2); c.3466G>A, p.Glu1156Lys (NM_001257965.2); c.2129-199G>A (NM_001257966.2); c.3538G>A (NM_201253.2); short protein forms E1068K, E1180K, E1156K.
Identifiers: ClinVar variation 2143081 (VCV002143081.3), dbSNP rs149216103, ClinGen allele CA1312354.

ClinVar aggregate classification (germline): Uncertain significance. Review status: criteria provided, multiple submitters, no conflicts (2 of 4 stars). 3 submissions from 3 submitters: Uncertain significance (3). Last evaluated 2025-12-11.

Conditions:
Retinitis pigmentosa 12 (RP12). Also called: RP WITH OR WITHOUT PRESERVED PARAARTERIOLE RETINAL PIGMENT EPITHELIUM; RETINITIS PIGMENTOSA WITH OR WITHOUT PARAARTERIOLAR PRESERVATION OF RETINAL PIGMENT EPITHELIUM; RP WITH OR WITHOUT PPRPE. Identifiers: Orphanet 791, MedGen C1838647, MONDO:0010818, OMIM 600105.
Leber congenital amaurosis 8 (LCA8). Identifiers: Orphanet 65, MedGen C3151202, MONDO:0013453, OMIM 613835.
Inborn genetic diseases. Identifiers: MedGen C0950123, MeSH D030342.

Allele frequency attached by ClinVar (database versions not stated): gnomAD 0.00001; TOPMed 0.00001; ESP Exome Variant Server 0.00008.
gnomAD v4.1: 20 of 1,606,238 alleles (0.0012%); highest among the groups gnomAD compares: Non-Finnish European, 0.0015%; no homozygotes.

Submissions (3):

Ambry Genetics
Classification: Uncertain significance for Inborn genetic diseases. Last evaluated: 2025-12-11. Review status: criteria provided, single submitter. Criteria: Ambry Variant Classification Scheme 2023. Collection method: clinical testing. Allele origin: germline.

Blueprint Genetics
Classification: Uncertain significance. Last evaluated: 2024-07-31. Review status: criteria provided, single submitter. Criteria: ACMG Guidelines, 2015. Collection method: clinical testing. Allele origin: germline.

Labcorp Genetics (formerly Invitae), Labcorp
Classification: Uncertain significance for Leber congenital amaurosis 8; Retinitis pigmentosa 12. Last evaluated: 2022-08-22. Review status: criteria provided, single submitter. Criteria: Invitae Variant Classification Sherloc (09022015). Collection method: clinical testing. Allele origin: germline.
Comment: This sequence change replaces glutamic acid, which is acidic and polar, with lysine, which is basic and polar, at codon 1180 of the CRB1 protein (p.Glu1180Lys). This variant is present in population databases (rs149216103, gnomAD 0.004%). This variant has not been reported in the literature in individuals affected with CRB1-related conditions. Advanced modeling of protein sequence and biophysical properties (such as structural, functional, and spatial information, amino acid conservation, physicochemical variation, residue mobility, and thermodynamic stability) performed at Invitae indicates that this missense variant is not expected to disrupt CRB1 protein function. In summary, the available evidence is currently insufficient to determine the role of this variant in disease. Therefore, it has been classified as a Variant of Uncertain Significance.